The following is an entry in ClinVar:

NM_017739.4(POMGNT1):c.1413+1G>T

Genes: POMGNT1 (protein O-linked mannose N-acetylglucosaminyltransferase 1 (beta 1,2-); minus strand), TSPAN1 (tetraspanin 1; plus strand). Cytogenetic location: 1p34.1.
Variant type: single nucleotide variant.
Coding change: c.1413+1G>T on transcript NM_017739.4 (MANE Select); the canonical splice donor site of the intron after coding-DNA position 1413, G replaced by T.
Molecular consequence: splice donor variant.
Genome position (GRCh38, 1-based): chr1:46,192,307, C>A on the plus strand (G>T on the coding strand, the complement: POMGNT1 is on the minus strand). VCF-style: chr1-46192307-C-A. GRCh37 (hg19) VCF-style: chr1-46657979-C-A.
Other names: IVS17DS, G-T, +1; c.1413+1G>T (NM_001243766.2, NM_001438686.1, NM_001438688.1 and 3 more transcripts); c.1347+1G>T (NM_001290129.3, NM_001438691.1, NM_001438692.1); c.984+1G>T (NM_001290130.2).
Identifiers: ClinVar variation 3986 (VCV000003986.10), dbSNP rs587777821, ClinGen allele CA116538.

ClinVar aggregate classification (germline): Likely pathogenic. Review status: criteria provided, single submitter (1 of 4 stars). 2 submissions from 2 submitters: Likely pathogenic (1). 1 of the submissions does not count toward it. Last evaluated 2022-06-20.

Conditions:
Muscular dystrophy-dystroglycanopathy (congenital with impaired intellectual development), type B, 3. Also called: MUSCULAR DYSTROPHY, CONGENITAL, POMGNT1-RELATED; Muscular dystrophy-dystroglycanopathy (congenital with intellectual disability), type B3. Identifiers: MedGen C3150412, MONDO:0013155, OMIM 613151.
Autosomal recessive limb-girdle muscular dystrophy type 2O. Also called: Limb-Girdle Muscular Dystrophy Type 3C; MUSCULAR DYSTROPHY-DYSTROGLYCANOPATHY, LIMB-GIRDLE, POMGNT1-RELATED; MUSCULAR DYSTROPHY-DYSTROGLYCANOPATHY (LIMB-GIRDLE), TYPE C, 3. Identifiers: Orphanet 206564, MedGen C3150417, MONDO:0013161, OMIM 613157.
Muscular dystrophy-dystroglycanopathy (congenital with brain and eye anomalies), type A3. Also called: WALKER-WARBURG SYNDROME OR MUSCLE-EYE-BRAIN DISEASE, POMGNT1-RELATED; Muscular dystrophy-dystroglycanopathy (congenital with brain and eye anomalies), type A, 3; Congenital muscular dystrophy-dystroglycanopathy with brain and eye anomalies, type A3. Identifiers: MedGen C3151519, MONDO:0009667, OMIM 253280.

Submissions (2):

Labcorp Genetics (formerly Invitae), Labcorp
Classification: Likely pathogenic for Autosomal recessive limb-girdle muscular dystrophy type 2O; Muscular dystrophy-dystroglycanopathy (congenital with impaired intellectual development), type B, 3. Last evaluated: 2022-06-20. Review status: criteria provided, single submitter. Criteria: Invitae Variant Classification Sherloc (09022015). Collection method: clinical testing. Allele origin: germline.
Comment: This sequence change affects a donor splice site in intron 16 of the POMGNT1 gene. It is expected to disrupt RNA splicing. Variants that disrupt the donor or acceptor splice site typically lead to a loss of protein function (PMID: 16199547), and loss-of-function variants in POMGNT1 are known to be pathogenic (PMID: 19299310, 20816175, 21447391, 26908613, 27391550). This variant is not present in population databases (gnomAD no frequency). This variant has not been reported in the literature in individuals affected with POMGNT1-related conditions. ClinVar contains an entry for this variant (Variation ID: 3986). Algorithms developed to predict the effect of sequence changes on RNA splicing suggest that this variant may disrupt the consensus splice site. In summary, the currently available evidence indicates that the variant is pathogenic, but additional data are needed to prove that conclusively. Therefore, this variant has been classified as Likely Pathogenic.

OMIM
Classification: Pathogenic for MUSCULAR DYSTROPHY-DYSTROGLYCANOPATHY (CONGENITAL WITH BRAIN AND EYE ANOMALIES), TYPE A, 3. Last evaluated: 2001-11-01. Review status: no assertion criteria provided. Collection method: literature only. Allele origin: germline. Not counted in ClinVar's aggregate classification.

Literature cited by the submitters: PubMed 16199547 (cited by Labcorp Genetics (formerly Invitae), Labcorp); PubMed 19299310 (cited by Labcorp Genetics (formerly Invitae), Labcorp); PubMed 20816175 (cited by Labcorp Genetics (formerly Invitae), Labcorp); PubMed 21447391 (cited by Labcorp Genetics (formerly Invitae), Labcorp); PubMed 26908613 (cited by Labcorp Genetics (formerly Invitae), Labcorp); PubMed 27391550 (cited by Labcorp Genetics (formerly Invitae), Labcorp); PubMed 11709191 (cited by OMIM).